The following is an entry in ClinVar:

NM_017666.5(ZNF280C):c.602C>G (p.Ser201Cys)

Gene: ZNF280C (zinc finger protein 280C; minus strand). Cytogenetic location: Xq26.1.
Variant type: single nucleotide variant.
Coding change: c.602C>G on transcript NM_017666.5 (MANE Select); coding-DNA position 602, C replaced by G.
Protein change: p.Ser201Cys; replaces serine 201 with cysteine.
Molecular consequence: missense variant.
Genome position (GRCh38, 1-based): chrX:130,236,531, G>C on the plus strand (C>G on the coding strand, the complement: ZNF280C is on the minus strand). VCF-style: chrX-130236531-G-C. GRCh37 (hg19) VCF-style: chrX-129370505-G-C.
Other names: short protein forms S201C.
Identifiers: ClinVar variation 2661436 (VCV002661436.24), dbSNP rs773589818, ClinGen allele CA10515998.
Genomic context (GRCh38, chrX:130,236,531, plus strand): 5'-TTTGACAGCATAACTTGGGAGGATGTCACTGGAGGAGAGCCAATTAAAGGCAATGAAGTG[G>C]AGGGATTTATCTGAGGAACATCTTCACTGGTCTTTGGTTTTTTTGGAGTAACACTGTTTA-3'
Protein context (NP_060136.1, residues 191-211): TSEDVPQINP[Ser201Cys]TSLPLIGSPP

ClinVar aggregate classification (germline): Likely benign (1 of 4 stars; one submission).

Allele frequency attached by ClinVar (database versions not stated): ExAC 0.00001; gnomAD exomes 0.00001.
gnomAD v4.1: 7 of 1,207,753 alleles (0.00058%); highest among the groups gnomAD compares: Middle Eastern, 0.046%; no homozygotes.

Submission:

CeGaT Center for Human Genetics Tuebingen
Classification: Likely benign. Last evaluated: 2022-07-01. Review status: criteria provided, single submitter. Criteria: CeGaT Center For Human Genetics Tuebingen Variant Classification Criteria Version 2. Collection method: clinical testing. Allele origin: germline. Affected: yes. Observed: 1 variant allele.
Comment: ZNF280C: BP4